The following is an entry in ClinVar:

NM_006231.4(POLE):c.13A>T (p.Ser5Cys)

Genes: POLE (DNA polymerase epsilon, catalytic subunit; minus strand), LOC130009266 (ATAC-STARR-seq lymphoblastoid silent region 5123; plus strand). Cytogenetic location: 12q24.33.
Variant type: single nucleotide variant.
Coding change: c.13A>T on transcript NM_006231.4 (MANE Select); coding-DNA position 13, A replaced by T.
Protein change: p.Ser5Cys; replaces serine 5 with cysteine.
Molecular consequence: missense variant.
Genome position (GRCh38, 1-based): chr12:132,687,303, T>A on the plus strand (A>T on the coding strand, the complement: POLE is on the minus strand). VCF-style: chr12-132687303-T-A. GRCh37 (hg19) VCF-style: chr12-133263889-T-A.
Other names: short protein forms S5C.
Identifiers: ClinVar variation 1055872 (VCV001055872.9), dbSNP rs2043299375, ClinGen allele CA387373528.

ClinVar aggregate classification (germline): Uncertain significance (1 of 4 stars; one submission).

Submission:

Labcorp Genetics (formerly Invitae), Labcorp
Classification: Uncertain significance. Last evaluated: 2024-08-22. Review status: criteria provided, single submitter. Criteria: Invitae Variant Classification Sherloc (09022015). Collection method: clinical testing. Allele origin: germline.
Comment: This sequence change replaces serine, which is neutral and polar, with cysteine, which is neutral and slightly polar, at codon 5 of the POLE protein (p.Ser5Cys). This variant is not present in population databases (gnomAD no frequency). This variant has not been reported in the literature in individuals affected with POLE-related conditions. ClinVar contains an entry for this variant (Variation ID: 1055872). Experimental studies and prediction algorithms are not available or were not evaluated, and the functional significance of this variant is currently unknown. In summary, the available evidence is currently insufficient to determine the role of this variant in disease. Therefore, it has been classified as a Variant of Uncertain Significance.